The following is an entry in ClinVar:

ClinVar aggregate classification (germline): Uncertain significance (1 of 4 stars; one submission).

Conditions:
Wilson disease (WND). Also called: Wilson's disease. Identifiers: Orphanet 905, MedGen C0019202, MONDO:0010200, OMIM 277900. Disease mechanism: loss of function.

Submission:

Labcorp Genetics (formerly Invitae), Labcorp
Classification: Uncertain significance for Wilson disease. Last evaluated: 2020-11-10. Review status: criteria provided, single submitter. Criteria: Invitae Variant Classification Sherloc (09022015). Collection method: clinical testing. Allele origin: germline.
Comment: In summary, the available evidence is currently insufficient to determine the role of this variant in disease. Therefore, it has been classified as a Variant of Uncertain Significance. Algorithms developed to predict the effect of missense changes on protein structure and function are either unavailable or do not agree on the potential impact of this missense change (SIFT: "Tolerated"; PolyPhen-2: "Probably Damaging"; Align-GVGD: "Class C0"). This variant has not been reported in the literature in individuals with ATP7B-related conditions. This variant is not present in population databases (ExAC no frequency). This sequence change replaces glutamic acid with aspartic acid at codon 293 of the ATP7B protein (p.Glu293Asp). The glutamic acid residue is moderately conserved and there is a small physicochemical difference between glutamic acid and aspartic acid.

NM_000053.4(ATP7B):c.879G>T (p.Glu293Asp)

Gene: ATP7B (ATPase copper transporting beta; minus strand). Cytogenetic location: 13q14.3.
Variant type: single nucleotide variant.
Coding change: c.879G>T on transcript NM_000053.4 (MANE Select); coding-DNA position 879, G replaced by T.
Protein change: p.Glu293Asp; replaces glutamic acid 293 with aspartic acid.
Molecular consequence: missense variant. On other transcripts: intron variant (1).
Genome position (GRCh38, 1-based): chr13:51,974,341, C>A on the plus strand (G>T on the coding strand, the complement: ATP7B is on the minus strand). VCF-style: chr13-51974341-C-A. GRCh37 (hg19) VCF-style: chr13-52548477-C-A.
Other names: c.879G>T, p.Glu293Asp (NM_001005918.3, NM_001330578.2, NM_001330579.2); c.802+77G>T (NM_001243182.2); short protein forms E293D.
Identifiers: ClinVar variation 1487801 (VCV001487801.8), dbSNP rs1593789326, ClinGen allele CA388040710.